The following is an entry in ClinVar:

NM_000088.4(COL1A1):c.2665_2666insGCCGGTCCTCCTGGCCCCT (p.Ser889fs)

Gene: COL1A1 (collagen type I alpha 1 chain; minus strand). Cytogenetic location: 17q21.33.
Variant type: Insertion.
Coding change: c.2665_2666insGCCGGTCCTCCTGGCCCCT on transcript NM_000088.4 (MANE Select); coding-DNA positions 2665 to 2666, GCCGGTCCTCCTGGCCCCT inserted.
Protein change: p.Ser889fs; shifts the reading frame from serine 889.
Molecular consequence: frameshift variant.
Genome position: GRCh38 VCF-style: chr17-50189680-G-GAGGGGCCAGGAGGACCGGC. GRCh37 (hg19) VCF-style: chr17-48267041-G-GAGGGGCCAGGAGGACCGGC.
Other names: short protein forms S889fs.
Identifiers: ClinVar variation 2859582 (VCV002859582.3), dbSNP rs2509185694, ClinGen allele CA2739268242.
Genomic context (GRCh38, chr17:50,189,680, plus strand): 5'-TGGCAGCCCCCACCCAGCACCCCCAACCTAGAGCAGTGGACTCTGCTGCAGAGACTTACA[G>GAGGGGCCAGGAGGACCGGC]AGGGGCCAGGAGGACCGACTCGGCCAGCAGCACCAGGGAAACCAGTAGCACCCTGGAAGG-3'

ClinVar aggregate classification (germline): Pathogenic (1 of 4 stars; one submission).

Conditions:
Osteogenesis imperfecta type I (OI1). Also called: Lobstein's Disease; Classic Non-deforming Osteogenesis Imperfecta with Blue Sclerae; Lobstein disease; OI, TYPE I; OSTEOGENESIS IMPERFECTA TARDA; OSTEOGENESIS IMPERFECTA WITH BLUE SCLERAE. Identifiers: Orphanet 216796, Orphanet 666, MedGen C0023931, MONDO:0008146, OMIM 166200. Disease mechanism: loss of function.

Submission:

Labcorp Genetics (formerly Invitae), Labcorp
Classification: Pathogenic for Osteogenesis imperfecta type I. Last evaluated: 2025-08-29. Review status: criteria provided, single submitter. Criteria: Invitae Variant Classification Sherloc (09022015). Collection method: clinical testing. Allele origin: germline.
Comment: This sequence change creates a premature translational stop signal (p.Ser889Cysfs*30) in the COL1A1 gene. It is expected to result in an absent or disrupted protein product. Loss-of-function variants in COL1A1 are known to be pathogenic (PMID: 7942841, 9295084, 9443882). This variant is not present in population databases (gnomAD no frequency). This variant has not been reported in the literature in individuals affected with COL1A1-related conditions. ClinVar contains an entry for this variant (Variation ID: 2859582). For these reasons, this variant has been classified as Pathogenic.

Literature cited by the submitters: PubMed 7942841; PubMed 9295084; PubMed 9443882.